The following is an entry in ClinVar:

ClinVar aggregate classification (germline): Benign/Likely benign. Review status: criteria provided, multiple submitters, no conflicts (2 of 4 stars). 9 submissions from 8 submitters: Benign (6); Likely benign (2). 1 of the submissions does not count toward it. Last evaluated 2024-11-20.

Conditions:
RASopathy. Also called: Noonan spectrum disorder; rasopathies. Identifiers: Orphanet 536391, MedGen C5555857, MONDO:0021060.
Noonan syndrome 7 (NS7). Also called: BRAF-Related Noonan Syndrome. Identifiers: Orphanet 648, MedGen C3150970, MONDO:0013379, OMIM 613706.
LEOPARD syndrome 3 (LPRD3). Identifiers: Orphanet 500, MedGen C3150971, MONDO:0013380, OMIM 613707.

Allele frequency attached by ClinVar (database versions not stated): ExAC 0.00029; gnomAD exomes 0.00109 and 0.00114; gnomAD 0.01059 and 0.01115; TOPMed 0.01200; 1000 Genomes Project 30x 0.01530; 1000 Genomes Project 0.01538.

Submissions (9):

ARUP Laboratories, Molecular Genetics and Genomics, ARUP Laboratories
Classification: Benign. Last evaluated: 2024-11-20. Review status: criteria provided, single submitter. Criteria: ARUP Molecular Germline Variant Investigation Process 2024. Collection method: clinical testing. Allele origin: germline.

Women's Health and Genetics/Laboratory Corporation of America, LabCorp
Classification: Benign. Last evaluated: 2019-11-25. Review status: criteria provided, single submitter. Criteria: LabCorp Variant Classification Summary - May 2015. Collection method: clinical testing. Allele origin: germline.
Comment: Variant summary: BRAF c.-19C>T is located in the untranslated mRNA region upstream of the initiation codon. The variant allele was found at a frequency of 0.0011 in 86066 control chromosomes in the gnomAD database, including 1 homozygotes. The observed variant frequency is approximately 455-folds over the estimated maximal expected allele frequency for a pathogenic variant in BRAF causing Noonan Syndrome and Related Conditions phenotype (2.5e-06), strongly suggesting that the variant is benign. Two ClinVar submissions (evaluation after 2014) cites the variant once as likely benign and once as benign. Based on the evidence outlined above, the variant was classified as benign.

Illumina Laboratory Services, Illumina
Classification: Benign for LEOPARD syndrome 3. Last evaluated: 2018-01-12. Review status: criteria provided, single submitter. Criteria: ICSL Variant Classification Criteria 13 December 2019. Collection method: clinical testing. Allele origin: germline.
Comment: This variant was observed in the ICSL laboratory as part of a predisposition screen in an ostensibly healthy population. It had not been previously curated by ICSL or reported in the Human Gene Mutation Database (HGMD: prior to June 1st, 2018), and was therefore a candidate for classification through an automated scoring system. Utilizing variant allele frequency, disease prevalence and penetrance estimates, and inheritance mode, an automated score was calculated to assess if this variant is too frequent to cause the disease. Based on the score and internal cut-off values, a variant classified as benign is not then subjected to further curation. The score for this variant resulted in a classification of benign for this disease.

Illumina Laboratory Services, Illumina
Classification: Likely benign for Noonan syndrome 7. Last evaluated: 2018-01-12. Review status: criteria provided, single submitter. Criteria: ICSL Variant Classification Criteria 13 December 2019. Collection method: clinical testing. Allele origin: germline.
Comment: This variant was observed in the ICSL laboratory as part of a predisposition screen in an ostensibly healthy population. It had not been previously curated by ICSL or reported in the Human Gene Mutation Database (HGMD: prior to June 1st, 2018), and was therefore a candidate for classification through an automated scoring system. Utilizing variant allele frequency, disease prevalence and penetrance estimates, and inheritance mode, an automated score was calculated to assess if this variant is too frequent to cause the disease. Based on the score and internal cut-off values, a variant classified as likely benign is not then subjected to further curation. The score for this variant resulted in a classification of likely benign for this disease.

Eurofins Ntd Llc (ga)
Classification: Benign. Last evaluated: 2013-03-18. Review status: criteria provided, single submitter. Criteria: EGL Classification Definitions 2015. Collection method: clinical testing. Allele origin: germline. Observed: 5 variant alleles, 5 heterozygotes.

GeneDx
Classification: Benign for Rasopathy. Last evaluated: 2012-03-02. Review status: criteria provided, single submitter. Criteria: GeneDx Variant Classification (06012015). Collection method: clinical testing. Allele origin: germline. Affected: yes.
Comment: The variant is found in NOONAN panel(s).

Laboratory for Molecular Medicine, Mass General Brigham Personalized Medicine
Classification: Likely benign. Last evaluated: 2011-06-01. Review status: criteria provided, single submitter. Criteria: LMM Criteria. Collection method: clinical testing. Allele origin: germline. Observed: 4 variant alleles.
Comment: -19C>T in the 5'UTR of BRAF: This variant has been reported in dbSNP in 2.3% (1/ 44) Hispanic chromosomes and 4.2% (1/24) Black chromosomes (rs71645935). This va riant is located in the 5'UTR and variants in regulatory regions could have an e ffect on transcriptional or translational efficiency. However, no variants in th is region of BRAF have been found to be pathogenic in individuals with Noonan sp ectrum disorders.Therefore, this variant is not expected to have clinical signif icance.

PreventionGenetics, part of Exact Sciences
Classification: Benign. Review status: criteria provided, single submitter. Criteria: ACMG Guidelines, 2015. Collection method: clinical testing. Allele origin: germline.

Greenwood Genetic Center Diagnostic Laboratories, Greenwood Genetic Center
Classification: Benign. Last evaluated: 2015-01-15. Review status: no assertion criteria provided. Collection method: clinical testing. Allele origin: germline. Not counted in ClinVar's aggregate classification.

NM_004333.6(BRAF):c.-19C>T

Gene: BRAF (B-Raf proto-oncogene, serine/threonine kinase; minus strand). Cytogenetic location: 7q34.
Variant type: single nucleotide variant.
Coding change: c.-19C>T on transcript NM_004333.6 (MANE Select); 19 bases upstream of the start codon, C replaced by T.
Molecular consequence: 5 prime UTR variant.
Genome position (GRCh38, 1-based): chr7:140,924,722, G>A on the plus strand (C>T on the coding strand, the complement: BRAF is on the minus strand). VCF-style: chr7-140924722-G-A. GRCh37 (hg19) VCF-style: chr7-140624522-G-A.
Other names: c.-19C>T (NM_001354609.2, NM_001374244.1, NM_001374258.1 and 7 more transcripts).
Identifiers: ClinVar variation 41445 (VCV000041445.25), dbSNP rs71645935, ClinGen allele CA145581.